The following is an entry in ClinVar:

NM_032043.3(BRIP1):c.176C>T (p.Ser59Phe)

Gene: BRIP1 (BRCA1 interacting DNA helicase 1; minus strand). Cytogenetic location: 17q23.2.
Variant type: single nucleotide variant.
Coding change: c.176C>T on transcript NM_032043.3 (MANE Select); coding-DNA position 176, C replaced by T.
Protein change: p.Ser59Phe; replaces serine 59 with phenylalanine.
Molecular consequence: missense variant.
Genome position (GRCh38, 1-based): chr17:61,859,825, G>A on the plus strand (C>T on the coding strand, the complement: BRIP1 is on the minus strand). VCF-style: chr17-61859825-G-A. GRCh37 (hg19) VCF-style: chr17-59937186-G-A.
Other names: c.176C>T (NM_032043.2); short protein forms S59F.
Identifiers: ClinVar variation 1492466 (VCV001492466.10), dbSNP rs2078949491, ClinGen allele CA400485707.

ClinVar aggregate classification (germline): Uncertain significance. Review status: criteria provided, multiple submitters, no conflicts (2 of 4 stars). 2 submissions from 2 submitters: Uncertain significance (2). Last evaluated 2026-02-16.

Conditions:
Hereditary cancer-predisposing syndrome. Also called: Neoplastic Syndromes, Hereditary; Tumor predisposition; Hereditary Cancer Syndrome; Hereditary neoplastic syndrome. Identifiers: Orphanet 140162, MedGen C0027672, MeSH D009386, MONDO:0015356.
Familial cancer of breast. Also called: BREAST CANCER, FAMILIAL; Hereditary breast cancer; hereditary breast carcinoma. Identifiers: Orphanet 227535, MedGen C0346153, MONDO:0016419, OMIM 114480. Disease mechanism: loss of function.
Fanconi anemia complementation group J. Also called: BRIP1-Related Fanconi Anemia. Identifiers: Orphanet 84, MedGen C1836860, MONDO:0012187, OMIM 609054.

Allele frequency attached by ClinVar (database versions not stated): gnomAD exomes below 0.00001.
gnomAD v4.1: 1 of 1,613,744 alleles (0.000062%); highest among the groups gnomAD compares: Non-Finnish European, 0.000085%; no homozygotes.

Submissions (2):

Ambry Genetics
Classification: Uncertain significance for Hereditary cancer-predisposing syndrome. Last evaluated: 2026-02-16. Review status: criteria provided, single submitter. Criteria: Ambry Variant Classification Scheme 2023. Collection method: clinical testing. Allele origin: germline.
Comment: The p.S59F variant (also known as c.176C>T), located in coding exon 2 of the BRIP1 gene, results from a C to T substitution at nucleotide position 176. The serine at codon 59 is replaced by phenylalanine, an amino acid with highly dissimilar properties. This amino acid position is conserved. In addition, this alteration is predicted to be deleterious by in silico analysis. Based on the available evidence, the clinical significance of this variant remains unclear.

Labcorp Genetics (formerly Invitae), Labcorp
Classification: Uncertain significance for Familial cancer of breast; Fanconi anemia complementation group J. Last evaluated: 2022-12-06. Review status: criteria provided, single submitter. Criteria: Invitae Variant Classification Sherloc (09022015). Collection method: clinical testing. Allele origin: germline.
Comment: This sequence change replaces serine, which is neutral and polar, with phenylalanine, which is neutral and non-polar, at codon 59 of the BRIP1 protein (p.Ser59Phe). In summary, the available evidence is currently insufficient to determine the role of this variant in disease. Therefore, it has been classified as a Variant of Uncertain Significance. Advanced modeling of protein sequence and biophysical properties (such as structural, functional, and spatial information, amino acid conservation, physicochemical variation, residue mobility, and thermodynamic stability) performed at Invitae indicates that this missense variant is expected to disrupt BRIP1 protein function. ClinVar contains an entry for this variant (Variation ID: 1492466). This variant has not been reported in the literature in individuals affected with BRIP1-related conditions. This variant is not present in population databases (gnomAD no frequency).